The following is an entry in ClinVar:

ClinVar aggregate classification (germline): Likely benign. Review status: criteria provided, multiple submitters, no conflicts (2 of 4 stars). 3 submissions from 3 submitters: Likely benign (3). Last evaluated 2026-04-10.

Conditions:
BEST1-related disorder. Also called: BEST1-related condition; BEST1-related disorders. Identifiers: MedGen CN239200.

Allele frequency attached by ClinVar (database versions not stated): gnomAD 0.00001 and 0.00005; TOPMed 0.00001; gnomAD exomes 0.00008 and 0.00019; ExAC 0.00025; 1000 Genomes Project 0.00040; 1000 Genomes Project 30x 0.00047.
gnomAD v4.1: 130 of 1,614,232 alleles (0.0081%); highest among the groups gnomAD compares: South Asian, 0.12%; no homozygotes.

Submissions (3):

PreventionGenetics, part of Exact Sciences
Classification: Likely benign for BEST1-related condition. Last evaluated: 2026-04-10. Review status: criteria provided, single submitter. Criteria: ACMG Guidelines, 2015. Collection method: clinical testing. Allele origin: germline.
Comment: This variant is classified as likely benign based on ACMG/AMP sequence variant interpretation guidelines (Richards et al. 2015 PMID: 25741868, with internal and published modifications).

Blueprint Genetics
Classification: Likely benign. Last evaluated: 2024-10-28. Review status: criteria provided, single submitter. Criteria: ACMG Guidelines, 2015. Collection method: clinical testing. Allele origin: germline.

Labcorp Genetics (formerly Invitae), Labcorp
Classification: Likely benign. Last evaluated: 2024-01-04. Review status: criteria provided, single submitter. Criteria: Invitae Variant Classification Sherloc (09022015). Collection method: clinical testing. Allele origin: germline.

NM_004183.4(BEST1):c.831G>A (p.Thr277=)

Gene: BEST1 (bestrophin 1; plus strand). Cytogenetic location: 11q12.3.
Variant type: single nucleotide variant.
Coding change: c.831G>A on transcript NM_004183.4 (MANE Select); coding-DNA position 831, G replaced by A.
Protein change: p.Thr277=; no amino-acid change (threonine 277 retained).
Molecular consequence: synonymous variant. On other transcripts: non-coding transcript variant (1).
Genome position (GRCh38, 1-based): chr11:61,958,262, G>A. VCF-style: chr11-61958262-G-A. GRCh37 (hg19) VCF-style: chr11-61725734-G-A.
Other names: c.831G>A (NM_004183.3); c.651G>A, p.Thr217= (NM_001300786.2, NM_001300787.2, NM_001139443.3); c.513G>A, p.Thr171= (NM_001363591.3); c.831G>A, p.Thr277= (NM_001363592.2); c.-345G>A (NM_001363593.3).
Identifiers: ClinVar variation 1119189 (VCV001119189.11), dbSNP rs62639274, ClinGen allele CA6040865.
Genomic context (GRCh38, chr11:61,958,262, plus strand): 5'-TCTGAACCCAGCCAAGGCCTACCCTGGCCATGAGCTGGACCTCGTTGTGCCCGTCTTCAC[G>A]TTCCTGCAGTTCTTCTTCTATGTTGGCTGGCTGAAGGTGGGCCTCTCCAGGGCCCTGCTG-3'
Protein context (NP_004174.1, residues 267-287): HELDLVVPVF[Thr277=]FLQFFFYVGW